The following is an entry in ClinVar:

NM_000748.3(CHRNB2):c.524C>G (p.Ser175Trp)

Gene: CHRNB2 (cholinergic receptor nicotinic beta 2 subunit; plus strand). Cytogenetic location: 1q21.3.
Variant type: single nucleotide variant.
Coding change: c.524C>G on transcript NM_000748.3 (MANE Select); coding-DNA position 524, C replaced by G.
Protein change: p.Ser175Trp; replaces serine 175 with tryptophan.
Molecular consequence: missense variant.
Genome position (GRCh38, 1-based): chr1:154,571,347, C>G. VCF-style: chr1-154571347-C-G. GRCh37 (hg19) VCF-style: chr1-154543823-C-G.
Other names: short protein forms S175W.
Identifiers: ClinVar variation 1369115 (VCV001369115.6), dbSNP rs75760566, ClinGen allele CA30834161.

ClinVar aggregate classification (germline): Uncertain significance (1 of 4 stars; one submission).

Conditions:
Familial sleep-related hypermotor epilepsy. Also called: Autosomal Dominant Sleep-Related Hypermotor (Hyperkinetic) Epilepsy. Identifiers: Orphanet 98784, MedGen C3696898, MONDO:0000030.

Submission:

Labcorp Genetics (formerly Invitae), Labcorp
Classification: Uncertain significance. Last evaluated: 2025-06-19. Review status: criteria provided, single submitter. Criteria: Invitae Variant Classification Sherloc (09022015). Collection method: clinical testing. Allele origin: germline.
Comment: This sequence change replaces serine, which is neutral and polar, with tryptophan, which is neutral and slightly polar, at codon 175 of the CHRNB2 protein (p.Ser175Trp). This variant is not present in population databases (gnomAD no frequency). This variant has not been reported in the literature in individuals affected with CHRNB2-related conditions. ClinVar contains an entry for this variant (Variation ID: 1369115). Invitae Evidence Modeling of protein sequence and biophysical properties (such as structural, functional, and spatial information, amino acid conservation, physicochemical variation, residue mobility, and thermodynamic stability) indicates that this missense variant is expected to disrupt CHRNB2 protein function with a positive predictive value of 80%. In summary, the available evidence is currently insufficient to determine the role of this variant in disease. Therefore, it has been classified as a Variant of Uncertain Significance.